The following is an entry in ClinVar:

NM_000038.6(APC):c.645+3976G>C

Gene: APC (APC regulator of WNT signaling pathway; plus strand). Cytogenetic location: 5q22.2.
Variant type: single nucleotide variant.
Coding change: c.645+3976G>C on transcript NM_000038.6 (MANE Select); 3976 bases into the intron after coding-DNA position 645, G replaced by C.
Molecular consequence: intron variant.
Genome position (GRCh38, 1-based): chr5:112,784,879, G>C. VCF-style: chr5-112784879-G-C. GRCh37 (hg19) VCF-style: chr5-112120576-G-C.
Other names: c.645+3976G>C (NM_001354895.2, NM_001127510.3, NM_001354896.2 and 2 more transcripts); c.675+3976G>C (NM_001354897.2, NM_001354902.2, NM_001127511.3); c.570+3976G>C (NM_001354898.2, NM_001354904.2); c.-391+3976G>C (NM_001354906.2); c.468+3976G>C (NM_001354900.2, NM_001354901.2, NM_001354905.2).
Identifiers: ClinVar variation 82450 (VCV000082450.2), dbSNP rs77299496, ClinGen allele CA011470.

ClinVar aggregate classification (germline): other (0 of 4 stars; one submission).

Conditions:
Familial colorectal cancer. Identifiers: MedGen CN280943, MONDO:0023113. Disease mechanism: loss of function.

Submission:

Systems Biology Platform Zhejiang California International NanoSystems Institute
Classification: other for Familial colorectal cancer. Review status: no assertion criteria provided. Collection method: not provided. Allele origin: unknown.
ClinVar note: Converted during submission from cancer to other.